The following is an entry in ClinVar:

NM_003331.5(TYK2):c.1821C>G (p.Arg607=)

Gene: TYK2 (tyrosine kinase 2; minus strand). Cytogenetic location: 19p13.2.
Variant type: single nucleotide variant.
Coding change: c.1821C>G on transcript NM_003331.5 (MANE Select); coding-DNA position 1821, C replaced by G.
Protein change: p.Arg607=; no amino-acid change (arginine 607 retained).
Molecular consequence: synonymous variant. On other transcripts: intron variant (2).
Genome position (GRCh38, 1-based): chr19:10,361,908, G>C on the plus strand (C>G on the coding strand, the complement: TYK2 is on the minus strand). VCF-style: chr19-10361908-G-C. GRCh37 (hg19) VCF-style: chr19-10472584-G-C.
Other names: c.1821C>G, p.Arg607= (NM_001385197.1, NM_001385198.1, NM_001385200.1 and 2 more transcripts); c.1623C>G, p.Arg541= (NM_001385201.1); c.1731C>G, p.Arg577= (NM_001385205.1); c.1695C>G, p.Arg565= (NM_001385206.1); c.1803C>G, p.Arg601= (NM_001385207.1); c.1773+170C>G (NM_001385199.1); c.1808+13C>G (NM_001385202.1).
Identifiers: ClinVar variation 1135403 (VCV001135403.33), dbSNP rs773859320, ClinGen allele CA9193280.
Genomic context (GRCh38, chr19:10,361,908, plus strand): 5'-GAGGGGGTCCTCGTCATCCATCTTGCCCTCCTCAGGGTCCCCGCTGCCCTCCACTCGCAG[G>C]CGGCCCTCATACACGTTGGTCCTTGTGCCCTGGCCCAAGTGGGACAGCTGCGGGATCATG-3'
Protein context (NP_003322.3, residues 597-617): QGTRTNVYEG[Arg607=]LRVEGSGDPE

ClinVar aggregate classification (germline): Likely benign. Review status: criteria provided, multiple submitters, no conflicts (2 of 4 stars). 3 submissions from 3 submitters: Likely benign (3). Last evaluated 2025-08-30.

Conditions:
Immunodeficiency 35 (IMD35). Also called: Susceptibility to infection due to TYK2 deficiency; HIES WITH ATYPICAL MYCOBACTERIOSIS, AUTOSOMAL RECESSIVE; HYPER-IgE SYNDROME WITH ATYPICAL MYCOBACTERIOSIS, AUTOSOMAL RECESSIVE; TYK2 DEFICIENCY. Identifiers: Orphanet 331226, MedGen C1969086, MONDO:0012682, OMIM 611521.

Allele frequency attached by ClinVar (database versions not stated): gnomAD 0.00003 and 0.00004; TOPMed 0.00003; gnomAD exomes 0.00005 and 0.00006; ExAC 0.00007.
gnomAD v4.1: 77 of 1,613,952 alleles (0.0048%); highest among the groups gnomAD compares: Non-Finnish European, 0.0062%; no homozygotes.

Submissions (3):

Labcorp Genetics (formerly Invitae), Labcorp
Classification: Likely benign for Immunodeficiency 35. Last evaluated: 2025-08-30. Review status: criteria provided, single submitter. Criteria: Invitae Variant Classification Sherloc (09022015). Collection method: clinical testing. Allele origin: germline.

Blueprint Genetics
Classification: Likely benign. Last evaluated: 2024-04-22. Review status: criteria provided, single submitter. Criteria: ACMG Guidelines, 2015. Collection method: clinical testing. Allele origin: germline.

CeGaT Center for Human Genetics Tuebingen
Classification: Likely benign. Last evaluated: 2023-02-01. Review status: criteria provided, single submitter. Criteria: CeGaT Center For Human Genetics Tuebingen Variant Classification Criteria Version 2. Collection method: clinical testing. Allele origin: germline. Affected: yes. Observed: 1 variant allele.
Comment: TYK2: BP4, BP7